The following is an entry in ClinVar:

ClinVar aggregate classification (germline): Likely benign. Review status: criteria provided, multiple submitters, no conflicts (2 of 4 stars). 2 submissions from 2 submitters: Likely benign (2). Last evaluated 2025-05-18.

Conditions:
Colorectal cancer, susceptibility to, 12 (CRCS12). Also called: COLORECTAL CANCER, SUSCEPTIBILITY TO, ON CHROMOSOME 12q24. Identifiers: Orphanet 220460, MedGen C3554460, MONDO:0014038, OMIM 615083.

gnomAD v4.1: 2 of 1,542,256 alleles (0.00013%); highest among the groups gnomAD compares: Non-Finnish European, 0.00018%; no homozygotes.

Submissions (2):

Labcorp Genetics (formerly Invitae), Labcorp
Classification: Likely benign. Last evaluated: 2025-05-18. Review status: criteria provided, single submitter. Criteria: Invitae Variant Classification Sherloc (09022015). Collection method: clinical testing. Allele origin: germline.

Myriad Genetics, Inc.
Classification: Likely benign for Colorectal cancer, susceptibility to, 12. Last evaluated: 2025-02-11. Review status: criteria provided, single submitter. Criteria: Myriad Autosomal Dominant, Autosomal Recessive and X-Linked Classification Criteria (2023). Collection method: clinical testing. Allele origin: unknown.
Comment: This variant is considered likely benign. This variant is intronic and is not expected to impact mRNA splicing.

NM_006231.4(POLE):c.1360-13G>C

Gene: POLE (DNA polymerase epsilon, catalytic subunit; minus strand). Cytogenetic location: 12q24.33.
Variant type: single nucleotide variant.
Coding change: c.1360-13G>C on transcript NM_006231.4 (MANE Select); 13 bases into the intron before coding-DNA position 1360, G replaced by C.
Molecular consequence: intron variant.
Genome position (GRCh38, 1-based): chr12:132,673,290, C>G on the plus strand (G>C on the coding strand, the complement: POLE is on the minus strand). VCF-style: chr12-132673290-C-G. GRCh37 (hg19) VCF-style: chr12-133249876-C-G.
Identifiers: ClinVar variation 3708279 (VCV003708279.3).